The following is an entry in ClinVar:

NM_013275.6(ANKRD11):c.943G>A (p.Asp315Asn)

Gene: ANKRD11 (ankyrin repeat domain 11; minus strand). Cytogenetic location: 16q24.3.
Variant type: single nucleotide variant.
Coding change: c.943G>A on transcript NM_013275.6 (MANE Select); coding-DNA position 943, G replaced by A.
Protein change: p.Asp315Asn; replaces aspartic acid 315 with asparagine.
Molecular consequence: missense variant.
Genome position (GRCh38, 1-based): chr16:89,285,599, C>T on the plus strand (G>A on the coding strand, the complement: ANKRD11 is on the minus strand). VCF-style: chr16-89285599-C-T. GRCh37 (hg19) VCF-style: chr16-89352007-C-T.
Other names: c.943G>A, p.Asp315Asn (NM_001256182.2, NM_001256183.2); short protein forms D315N.
Identifiers: ClinVar variation 5001406 (VCV005001406.1).

ClinVar aggregate classification (germline): Uncertain significance (1 of 4 stars; one submission).

Conditions:
ANKRD11-related disorder. Also called: ANKRD11-related condition.

gnomAD v4.1: 2 of 1,614,012 alleles (0.00012%); highest among the groups gnomAD compares: African/African-American, 0.0013%; no homozygotes.

Submission:

PreventionGenetics, part of Exact Sciences
Classification: Uncertain significance for ANKRD11-related condition. Last evaluated: 2025-12-30. Review status: criteria provided, single submitter. Criteria: ACMG Guidelines, 2015. Collection method: clinical testing. Allele origin: germline.
Comment: The ANKRD11 c.943G>A variant is predicted to result in the amino acid substitution p.Asp315Asn. To our knowledge, this variant has not been reported in the literature. This variant is reported in 0.00088% of alleles in individuals of European (Non-Finnish) descent in gnomAD. At this time, the clinical significance of this variant is uncertain due to the absence of conclusive functional and genetic evidence.